The following is an entry in ClinVar:

ClinVar aggregate classification (germline): Uncertain significance. Review status: criteria provided, multiple submitters, no conflicts (2 of 4 stars). 2 submissions from 2 submitters: Uncertain significance (2). Last evaluated 2025-08-20.

Allele frequency attached by ClinVar (database versions not stated): ExAC 0.00012; 1000 Genomes Project 30x 0.00016; gnomAD 0.00018; ESP Exome Variant Server 0.00023.

Submissions (2):

Ambry Genetics
Classification: Uncertain significance. Last evaluated: 2025-08-20. Review status: criteria provided, single submitter. Criteria: Ambry Variant Classification Scheme 2023. Collection method: clinical testing. Allele origin: germline.

Labcorp Genetics (formerly Invitae), Labcorp
Classification: Uncertain significance. Last evaluated: 2022-07-18. Review status: criteria provided, single submitter. Criteria: Invitae Variant Classification Sherloc (09022015). Collection method: clinical testing. Allele origin: germline.
Comment: Algorithms developed to predict the effect of missense changes on protein structure and function are either unavailable or do not agree on the potential impact of this missense change (SIFT: "Deleterious"; PolyPhen-2: "Benign"; Align-GVGD: "Class C0"). In summary, the available evidence is currently insufficient to determine the role of this variant in disease. Therefore, it has been classified as a Variant of Uncertain Significance. ClinVar contains an entry for this variant (Variation ID: 1489465). This sequence change replaces histidine, which is basic and polar, with leucine, which is neutral and non-polar, at codon 918 of the PLEKHG2 protein (p.His918Leu). This variant is present in population databases (rs142394949, gnomAD 0.02%). This variant has not been reported in the literature in individuals affected with PLEKHG2-related conditions.

NM_022835.3(PLEKHG2):c.2753A>T (p.His918Leu)

Gene: PLEKHG2 (pleckstrin homology and RhoGEF domain containing G2; plus strand). Cytogenetic location: 19q13.2.
Variant type: single nucleotide variant.
Coding change: c.2753A>T on transcript NM_022835.3 (MANE Select); coding-DNA position 2753, A replaced by T.
Protein change: p.His918Leu; replaces histidine 918 with leucine.
Molecular consequence: missense variant. On other transcripts: intron variant (1).
Genome position (GRCh38, 1-based): chr19:39,423,886, A>T. VCF-style: chr19-39423886-A-T. GRCh37 (hg19) VCF-style: chr19-39914526-A-T.
Other names: c.2576A>T, p.His859Leu (NM_001351693.2); c.1678-1352A>T (NM_001351694.2); c.2753A>T (NM_022835.2); short protein forms H859L, H918L.
Identifiers: ClinVar variation 1489465 (VCV001489465.8), dbSNP rs142394949, ClinGen allele CA9429858.
Genomic context (GRCh38, chr19:39,423,886, plus strand): 5'-GGGTTCAAGCTGCCATACCTTTGTCAAAGCAGGGAGGCAGCCCGGATGGCCAGGGTCTAC[A>T]TGTTTCCAATTTGCCTAAGCAAGACCTTCCGGGCATCCACGTTTCAGCTGCTACCCTTTT-3'
Protein context (NP_073746.2, residues 908-928): QGGSPDGQGL[His918Leu]VSNLPKQDLP